The following is an entry in ClinVar:

ClinVar aggregate classification (germline): Uncertain significance (1 of 4 stars; one submission).

gnomAD v4.1: 6 of 1,613,406 alleles (0.00037%); highest among the groups gnomAD compares: Non-Finnish European, 0.00042%; no homozygotes.

Submission:

Labcorp Genetics (formerly Invitae), Labcorp
Classification: Uncertain significance. Last evaluated: 2025-08-02. Review status: criteria provided, single submitter. Criteria: Invitae Variant Classification Sherloc (09022015). Collection method: clinical testing. Allele origin: germline.
Comment: This sequence change replaces lysine, which is basic and polar, with arginine, which is basic and polar, at codon 235 of the SLC25A32 protein (p.Lys235Arg). This variant is not present in population databases (gnomAD no frequency). This missense change has been observed in individual(s) with SLC25A32-related conditions (PMID: 35727412). Invitae Evidence Modeling of protein sequence and biophysical properties (such as structural, functional, and spatial information, amino acid conservation, physicochemical variation, residue mobility, and thermodynamic stability) indicates that this missense variant is expected to disrupt SLC25A32 protein function with a positive predictive value of 80%. Experimental studies have shown that this missense change affects SLC25A32 function (PMID: 35727412). In summary, the available evidence is currently insufficient to determine the role of this variant in disease. Therefore, it has been classified as a Variant of Uncertain Significance.

Literature cited by the submitters: PubMed 35727412.

NM_030780.5(SLC25A32):c.704A>G (p.Lys235Arg)

Gene: SLC25A32 (solute carrier family 25 member 32; minus strand). Cytogenetic location: 8q22.3.
Variant type: single nucleotide variant.
Coding change: c.704A>G on transcript NM_030780.5 (MANE Select); coding-DNA position 704, A replaced by G.
Protein change: p.Lys235Arg; replaces lysine 235 with arginine.
Molecular consequence: missense variant. On other transcripts: non-coding transcript variant (2).
Genome position (GRCh38, 1-based): chr8:103,401,624, T>C on the plus strand (A>G on the coding strand, the complement: SLC25A32 is on the minus strand). VCF-style: chr8-103401624-T-C. GRCh37 (hg19) VCF-style: chr8-104413852-T-C.
Other names: short protein forms K235R.
Identifiers: ClinVar variation 4776318 (VCV004776318.1).